The following is an entry in ClinVar:

NM_014297.5(ETHE1):c.633_639dup (p.Arg214fs)

Gene: ETHE1 (ETHE1 persulfide dioxygenase; minus strand). Cytogenetic location: 19q13.31.
Variant type: Duplication.
Coding change: c.633_639dup on transcript NM_014297.5 (MANE Select); coding-DNA positions 633 to 639, 7 bases duplicated (GAACCCT; older notation c.633_639dupGAACCCT).
Protein change: p.Arg214fs; shifts the reading frame from arginine 214.
Molecular consequence: frameshift variant.
Genome position (GRCh38, 1-based): chr19:43,508,017-43,508,023, AGGGTTC duplicated on the plus strand (GAACCCT on the coding strand, the reverse complement: ETHE1 is on the minus strand); duplicating any 7 consecutive bases within chr19:43,508,017-43,508,025 gives the same sequence; the c. name uses the placement nearest the transcript's 3' end. VCF-style (leftmost placement, unchanged base first): chr19-43508016-G-GAGGGTTC. GRCh37 (hg19) VCF-style: chr19-44012168-G-GAGGGTTC.
Other names: c.600_606dup, p.Arg203fs (NM_001320867.2); c.264_270dup, p.Arg91fs (NM_001320868.2); c.339_345dup, p.Arg116fs (NM_001320869.2); short protein forms R116fs, R203fs, R214fs, R91fs.
Identifiers: ClinVar variation 4815662 (VCV004815662.1).

ClinVar aggregate classification (germline): Likely pathogenic (1 of 4 stars; one submission).

Conditions:
Ethylmalonic encephalopathy (EE). Also called: EPEMA syndrome; Encephalopathy, petechiae, and ethylmalonic aciduria; Syndrome of encephalopathy, petechiae, and ethylmalonic aciduria. Identifiers: Orphanet 51188, MedGen C1865349, MONDO:0011229, OMIM 602473. Disease mechanism: loss of function.

Submission:

Natera, Inc.
Classification: Likely pathogenic for Ethylmalonic encephalopathy. Last evaluated: 2024-06-12. Review status: criteria provided, single submitter. Criteria: Natera Variant Classification Schema (03/2026). Collection method: clinical testing. Allele origin: germline.
Comment: The c.633_639dup variant in ETHE1 is a frameshift variant predicted to shift the reading frame beginning at codon 214 and leads to a stop codon 9 codons downstream. This variant is expected to result in nonsense mediated decay, truncation, or a dysfunctional protein product. This variant is rare in the general population with a frequency below the threshold expected for the associated phenotype(s). Given the available evidence, this variant is classified as Likely Pathogenic.